The following is an entry in ClinVar:

ClinVar aggregate classification (germline): Pathogenic (1 of 4 stars; one submission).

Conditions:
Neurofibromatosis, type 1 (NF1). Also called: VON RECKLINGHAUSEN DISEASE; Neurofibromatosis, type I; Peripheral type neurofibromatosis; NEUROFIBROMATOSIS, TYPE I, SOMATIC. Identifiers: Orphanet 636, MedGen C0027831, MONDO:0018975, OMIM 162200. Disease mechanism: loss of function.

Submission:

Labcorp Genetics (formerly Invitae), Labcorp
Classification: Pathogenic for Neurofibromatosis, type 1. Last evaluated: 2023-07-17. Review status: criteria provided, single submitter. Criteria: Invitae Variant Classification Sherloc (09022015). Collection method: clinical testing. Allele origin: germline.
Comment: For these reasons, this variant has been classified as Pathogenic. This variant has not been reported in the literature in individuals affected with NF1-related conditions. This variant is not present in population databases (gnomAD no frequency). This sequence change creates a premature translational stop signal (p.Ile500Asnfs*11) in the NF1 gene. It is expected to result in an absent or disrupted protein product. Loss-of-function variants in NF1 are known to be pathogenic (PMID: 10712197, 23913538).

Literature cited by the submitters: PubMed 10712197; PubMed 23913538.

NM_001042492.3(NF1):c.1496dup (p.Ile500fs)

Gene: NF1 (neurofibromin 1; plus strand). Cytogenetic location: 17q11.2.
Variant type: Duplication.
Coding change: c.1496dup on transcript NM_001042492.3 (MANE Select); coding-DNA position 1496, one base duplicated (T; older notation c.1496dupT).
Protein change: p.Ile500fs; shifts the reading frame from isoleucine 500.
Molecular consequence: frameshift variant.
Genome position (GRCh38, 1-based): chr17:31,214,554, T duplicated. VCF-style (leftmost placement, unchanged base first): chr17-31214553-C-CT. GRCh37 (hg19) VCF-style: chr17-29541571-C-CT.
Other names: c.1496dup, p.Ile500Asnfs (NM_000267.4); c.1496dup, p.Ile500fs (NM_001128147.3); short protein forms I500fs.
Identifiers: ClinVar variation 2851605 (VCV002851605.3), dbSNP rs2544829749, ClinGen allele CA2739267284.